The following is an entry in ClinVar:

NM_033026.6(PCLO):c.3571A>G (p.Thr1191Ala)

Gene: PCLO (piccolo presynaptic cytomatrix protein; minus strand). Cytogenetic location: 7q21.11.
Variant type: single nucleotide variant.
Coding change: c.3571A>G on transcript NM_033026.6 (MANE Select); coding-DNA position 3571, A replaced by G.
Protein change: p.Thr1191Ala; replaces threonine 1191 with alanine.
Molecular consequence: missense variant.
Genome position (GRCh38, 1-based): chr7:82,966,217, T>C on the plus strand (A>G on the coding strand, the complement: PCLO is on the minus strand). VCF-style: chr7-82966217-T-C. GRCh37 (hg19) VCF-style: chr7-82595533-T-C.
Other names: c.3571A>G, p.Thr1191Ala (NM_014510.3); short protein forms T1191A.
Identifiers: ClinVar variation 1492201 (VCV001492201.8), dbSNP rs1795769358, ClinGen allele CA367933048.

ClinVar aggregate classification (germline): Uncertain significance (1 of 4 stars; one submission).

Allele frequency attached by ClinVar (database versions not stated): TOPMed 0.00001.

Submission:

Labcorp Genetics (formerly Invitae), Labcorp
Classification: Uncertain significance. Last evaluated: 2023-12-07. Review status: criteria provided, single submitter. Criteria: Invitae Variant Classification Sherloc (09022015). Collection method: clinical testing. Allele origin: germline.
Comment: This sequence change replaces threonine, which is neutral and polar, with alanine, which is neutral and non-polar, at codon 1191 of the PCLO protein (p.Thr1191Ala). This variant is not present in population databases (gnomAD no frequency). This variant has not been reported in the literature in individuals affected with PCLO-related conditions. ClinVar contains an entry for this variant (Variation ID: 1492201). Experimental studies and prediction algorithms are not available or were not evaluated, and the functional significance of this variant is currently unknown. In summary, the available evidence is currently insufficient to determine the role of this variant in disease. Therefore, it has been classified as a Variant of Uncertain Significance.